The following is an entry in ClinVar:

ClinVar aggregate classification (germline): Uncertain significance (1 of 4 stars; one submission).

Conditions:
Epidermodysplasia verruciformis. Identifiers: Orphanet 302, MedGen C0014522, MONDO:0009176.

Submission:

Labcorp Genetics (formerly Invitae), Labcorp
Classification: Uncertain significance for Epidermodysplasia verruciformis. Last evaluated: 2022-10-14. Review status: criteria provided, single submitter. Criteria: Invitae Variant Classification Sherloc (09022015). Collection method: clinical testing. Allele origin: germline.
Comment: In summary, the available evidence is currently insufficient to determine the role of this variant in disease. Therefore, it has been classified as a Variant of Uncertain Significance. Algorithms developed to predict the effect of missense changes on protein structure and function are either unavailable or do not agree on the potential impact of this missense change (SIFT: "Not Available"; PolyPhen-2: "Benign"; Align-GVGD: "Not Available"). This variant has not been reported in the literature in individuals affected with TMC6-related conditions. This variant is not present in population databases (gnomAD no frequency). This sequence change replaces valine, which is neutral and non-polar, with leucine, which is neutral and non-polar, at codon 672 of the TMC6 protein (p.Val672Leu).

NM_001127198.5(TMC6):c.2014G>C (p.Val672Leu)

Gene: TMC6 (transmembrane channel like 6; minus strand). Cytogenetic location: 17q25.3.
Variant type: single nucleotide variant.
Coding change: c.2014G>C on transcript NM_001127198.5 (MANE Select); coding-DNA position 2014, G replaced by C.
Protein change: p.Val672Leu; replaces valine 672 with leucine.
Molecular consequence: missense variant. On other transcripts: non-coding transcript variant (4).
Genome position (GRCh38, 1-based): chr17:78,117,809, C>G on the plus strand (G>C on the coding strand, the complement: TMC6 is on the minus strand). VCF-style: chr17-78117809-C-G. GRCh37 (hg19) VCF-style: chr17-76113890-C-G.
Other names: c.2014G>C, p.Val672Leu (NM_001321185.1, NM_001374596.1, NM_001375353.1 and 2 more transcripts); c.1834G>C, p.Val612Leu (NM_001374593.1, NM_001374594.1); short protein forms V672L, V612L.
Identifiers: ClinVar variation 2010404 (VCV002010404.4), dbSNP rs760800225, ClinGen allele CA401225712.